The following is an entry in ClinVar:

ClinVar aggregate classification (germline): Uncertain significance (1 of 4 stars; one submission).

Allele frequency attached by ClinVar (database versions not stated): gnomAD exomes below 0.00001.
gnomAD v4.1: 1 of 1,614,084 alleles (0.000062%); highest among the groups gnomAD compares: Admixed American, 0.0017%; no homozygotes.

Submission:

Labcorp Genetics (formerly Invitae), Labcorp
Classification: Uncertain significance. Last evaluated: 2022-12-07. Review status: criteria provided, single submitter. Criteria: Invitae Variant Classification Sherloc (09022015). Collection method: clinical testing. Allele origin: germline.
Comment: This variant has not been reported in the literature in individuals affected with FAT2-related conditions. Algorithms developed to predict the effect of missense changes on protein structure and function (SIFT, PolyPhen-2, Align-GVGD) all suggest that this variant is likely to be disruptive. In summary, the available evidence is currently insufficient to determine the role of this variant in disease. Therefore, it has been classified as a Variant of Uncertain Significance. This variant is present in population databases (no rsID available, gnomAD 0.003%). This sequence change replaces valine, which is neutral and non-polar, with alanine, which is neutral and non-polar, at codon 934 of the FAT2 protein (p.Val934Ala).

NM_001447.3(FAT2):c.2801T>C (p.Val934Ala)

Gene: FAT2 (FAT atypical cadherin 2; minus strand). Cytogenetic location: 5q33.1.
Variant type: single nucleotide variant.
Coding change: c.2801T>C on transcript NM_001447.3 (MANE Select); coding-DNA position 2801, T replaced by C.
Protein change: p.Val934Ala; replaces valine 934 with alanine.
Molecular consequence: missense variant.
Genome position (GRCh38, 1-based): chr5:151,566,131, A>G on the plus strand (T>C on the coding strand, the complement: FAT2 is on the minus strand). VCF-style: chr5-151566131-A-G. GRCh37 (hg19) VCF-style: chr5-150945692-A-G.
Other names: short protein forms V934A.
Identifiers: ClinVar variation 2797842 (VCV002797842.3), dbSNP rs1252340749, ClinGen allele CA361851315.
Genomic context (GRCh38, chr5:151,566,131, plus strand): 5'-AGGTCAGGATCAGAGGCATCCAGAAATGTCAAGACAGTCCCGGGGGGCAGGTCCTCTGGA[A>G]CCTTCAGCCTGTTGTGTTCTGTGATGCACTGGGGAGAGTTGTCGTTGACATCCTCCAATG-3'
Protein context (NP_001438.1, residues 924-944): QCITEHNRLK[Val934Ala]PEDLPPGTVL